The following is an entry in ClinVar:

NM_032608.7(MYO18B):c.551C>T (p.Ala184Val)

Gene: MYO18B (myosin XVIIIB; plus strand). Cytogenetic location: 22q12.1.
Variant type: single nucleotide variant.
Coding change: c.551C>T on transcript NM_032608.7 (MANE Select); coding-DNA position 551, C replaced by T.
Protein change: p.Ala184Val; replaces alanine 184 with valine.
Molecular consequence: missense variant.
Genome position (GRCh38, 1-based): chr22:25,768,467, C>T. VCF-style: chr22-25768467-C-T. GRCh37 (hg19) VCF-style: chr22-26164434-C-T.
Other names: c.551C>T, p.Ala184Val (NM_001318245.2); short protein forms A184V.
Identifiers: ClinVar variation 1401435 (VCV001401435.3), dbSNP rs747067145, ClinGen allele CA10159641.

ClinVar aggregate classification (germline): Uncertain significance (1 of 4 stars; one submission).

Allele frequency attached by ClinVar (database versions not stated): gnomAD exomes below 0.00001 and 0.00002; TOPMed below 0.00001; gnomAD 0.00001; ExAC 0.00002.
gnomAD v4.1: 6 of 1,594,220 alleles (0.00038%); highest among the groups gnomAD compares: East Asian, 0.009%; no homozygotes.

Submission:

Labcorp Genetics (formerly Invitae), Labcorp
Classification: Uncertain significance. Last evaluated: 2022-05-15. Review status: criteria provided, single submitter. Criteria: Invitae Variant Classification Sherloc (09022015). Collection method: clinical testing. Allele origin: germline.
Comment: This sequence change replaces alanine, which is neutral and non-polar, with valine, which is neutral and non-polar, at codon 184 of the MYO18B protein (p.Ala184Val). This variant is present in population databases (rs747067145, gnomAD 0.02%). This variant has not been reported in the literature in individuals affected with MYO18B-related conditions. Algorithms developed to predict the effect of missense changes on protein structure and function output the following: SIFT: "Not Available"; PolyPhen-2: "Benign"; Align-GVGD: "Not Available". The valine amino acid residue is found in multiple mammalian species, which suggests that this missense change does not adversely affect protein function. In summary, the available evidence is currently insufficient to determine the role of this variant in disease. Therefore, it has been classified as a Variant of Uncertain Significance.